The following is an entry in ClinVar:

NM_006929.5(SKIC2):c.707G>C (p.Gly236Ala)

Gene: SKIC2 (SKI2 subunit of superkiller complex; plus strand). Cytogenetic location: 6p21.33.
Variant type: single nucleotide variant.
Coding change: c.707G>C on transcript NM_006929.5 (MANE Select); coding-DNA position 707, G replaced by C.
Protein change: p.Gly236Ala; replaces glycine 236 with alanine.
Molecular consequence: missense variant.
Genome position (GRCh38, 1-based): chr6:31,961,304, G>C. VCF-style: chr6-31961304-G-C. GRCh37 (hg19) VCF-style: chr6-31929081-G-C.
Other names: short protein forms G236A.
Identifiers: ClinVar variation 2420784 (VCV002420784.3), dbSNP rs763023214, ClinGen allele CA3729239.

ClinVar aggregate classification (germline): Uncertain significance (1 of 4 stars; one submission).

Allele frequency attached by ClinVar (database versions not stated): ExAC 0.00001.
gnomAD v4.1: 2 of 1,601,086 alleles (0.00012%); highest among the groups gnomAD compares: Admixed American, 0.0018%; no homozygotes.

Submission:

Labcorp Genetics (formerly Invitae), Labcorp
Classification: Uncertain significance. Last evaluated: 2022-06-15. Review status: criteria provided, single submitter. Criteria: Invitae Variant Classification Sherloc (09022015). Collection method: clinical testing. Allele origin: germline.
Comment: This sequence change replaces glycine, which is neutral and non-polar, with alanine, which is neutral and non-polar, at codon 236 of the SKIV2L protein (p.Gly236Ala). This variant is present in population databases (rs763023214, gnomAD 0.003%). This variant has not been reported in the literature in individuals affected with SKIV2L-related conditions. Algorithms developed to predict the effect of missense changes on protein structure and function output the following: SIFT: "Tolerated"; PolyPhen-2: "Benign"; Align-GVGD: "Class C0". The alanine amino acid residue is found in multiple mammalian species, which suggests that this missense change does not adversely affect protein function. In summary, the available evidence is currently insufficient to determine the role of this variant in disease. Therefore, it has been classified as a Variant of Uncertain Significance.